The following is an entry in ClinVar:

NM_001363711.2(DUOX2):c.1151C>T (p.Thr384Ile)

Gene: DUOX2 (dual oxidase 2; minus strand). Cytogenetic location: 15q21.1.
Variant type: single nucleotide variant.
Coding change: c.1151C>T on transcript NM_001363711.2 (MANE Select); coding-DNA position 1151, C replaced by T.
Protein change: p.Thr384Ile; replaces threonine 384 with isoleucine.
Molecular consequence: missense variant.
Genome position (GRCh38, 1-based): chr15:45,109,607, G>A on the plus strand (C>T on the coding strand, the complement: DUOX2 is on the minus strand). VCF-style: chr15-45109607-G-A. GRCh37 (hg19) VCF-style: chr15-45401805-G-A.
Other names: c.1151C>T, p.Thr384Ile (NM_014080.5); short protein forms T384I.
Identifiers: ClinVar variation 1925767 (VCV001925767.2), dbSNP rs933007835, ClinGen allele CA270132449.

ClinVar aggregate classification (germline): Uncertain significance (1 of 4 stars; one submission).

Allele frequency attached by ClinVar (database versions not stated): TOPMed below 0.00001; gnomAD exomes below 0.00001.
gnomAD v4.1: 1 of 1,614,042 alleles (0.000062%); highest among the groups gnomAD compares: Non-Finnish European, 0.000085%; no homozygotes.

Submission:

Labcorp Genetics (formerly Invitae), Labcorp
Classification: Uncertain significance. Last evaluated: 2022-04-06. Review status: criteria provided, single submitter. Criteria: Invitae Variant Classification Sherloc (09022015). Collection method: clinical testing. Allele origin: germline.
Comment: This sequence change replaces threonine, which is neutral and polar, with isoleucine, which is neutral and non-polar, at codon 384 of the DUOX2 protein (p.Thr384Ile). This variant is not present in population databases (gnomAD no frequency). This variant has not been reported in the literature in individuals affected with DUOX2-related conditions. Advanced modeling of protein sequence and biophysical properties (such as structural, functional, and spatial information, amino acid conservation, physicochemical variation, residue mobility, and thermodynamic stability) performed at Invitae indicates that this missense variant is not expected to disrupt DUOX2 protein function. In summary, the available evidence is currently insufficient to determine the role of this variant in disease. Therefore, it has been classified as a Variant of Uncertain Significance.